The following is an entry in ClinVar:

ClinVar aggregate classification (germline): Pathogenic/Likely pathogenic. Review status: criteria provided, multiple submitters, no conflicts (2 of 4 stars). 15 submissions from 15 submitters: Pathogenic (13); Likely pathogenic (2). Last evaluated 2026-03-21.

Conditions:
TUSC3-related disorder. Also called: TUSC3-related condition.
Inborn genetic diseases. Identifiers: MedGen C0950123, MeSH D030342.
Intellectual disability. Also called: intellectual disabilities; Intellectual functioning disability; Intellectual developmental disorder. Identifiers: MedGen C3714756, MeSH D008607, MONDO:0001071, HP:0001249.
Intellectual developmental disorder, autosomal recessive 24. Also called: MRT24; Intellectual disability, autosomal recessive 24. Identifiers: Orphanet 88616, MedGen C3280543, MONDO:0013707, OMIM 614345.
Intellectual developmental disorder, autosomal recessive 7. Also called: Intellectual disability, autosomal recessive 7. Identifiers: Orphanet 88616, MedGen C1970197, MONDO:0012615, OMIM 611093.

Allele frequency attached by ClinVar (database versions not stated): TOPMed 0.00002; gnomAD 0.00007; gnomAD exomes 0.00007.
gnomAD v4.1: 113 of 1,613,262 alleles (0.007%); highest among the groups gnomAD compares: Non-Finnish European, 0.0081%; no homozygotes.

Submissions 1 to 11 of 15:

GeneDx
Classification: Likely pathogenic. Last evaluated: 2026-03-21. Review status: criteria provided, single submitter. Criteria: GeneDx Variant Classification Process June 2021. Collection method: clinical testing. Allele origin: germline.
Comment: Observed with a whole gene deletion on the opposite allele (in trans) in a patient with intellectual disability and autism in published literature; however, additional clinical information was not provided (PMID: 23806237); Nonsense variant predicted to result in protein truncation, as the last 18 amino acid(s) are lost; however, no other loss-of-function variants have been reported downstream in HGMD; This variant is associated with the following publications: (PMID: 34426522, 31589614, 32767738, 23806237, 39039281)

Labcorp Genetics (formerly Invitae), Labcorp
Classification: Pathogenic for Intellectual developmental disorder, autosomal recessive 7. Last evaluated: 2025-06-09. Review status: criteria provided, single submitter. Criteria: Invitae Variant Classification Sherloc (09022015). Collection method: clinical testing. Allele origin: germline.
Comment: This sequence change creates a premature translational stop signal (p.Ser331*) in the TUSC3 gene. It is expected to result in an absent or disrupted protein product. Loss-of-function variants in TUSC3 are known to be pathogenic (PMID: 18455129, 25626710). This variant is present in population databases (rs200667343, gnomAD 0.03%). This premature translational stop signal has been observed in individual(s) with intellectual disability and autism (PMID: 23806237). ClinVar contains an entry for this variant (Variation ID: 95432). For these reasons, this variant has been classified as Pathogenic.

Laboratory of Genetics, Children's Clinical University Hospital Latvia
Classification: Pathogenic. Last evaluated: 2025-02-16. Review status: criteria provided, single submitter. Criteria: ACMG Guidelines, 2015. Collection method: clinical testing. Allele origin: germline. Affected: yes.

Blueprint Genetics
Classification: Pathogenic for TUSC3-related disorders. Last evaluated: 2024-11-08. Review status: criteria provided, single submitter. Criteria: ACMG Guidelines, 2015. Collection method: clinical testing. Allele origin: germline. Affected: yes. Observed: 5 variant alleles.

Institute of Human Genetics, Heidelberg University
Classification: Pathogenic for Intellectual developmental disorder, autosomal recessive 7. Last evaluated: 2024-07-12. Review status: criteria provided, single submitter. Criteria: ACMG Guidelines, 2015. Collection method: clinical testing. Allele origin: maternal. Affected: yes.

3billion
Classification: Pathogenic for Intellectual developmental disorder, autosomal recessive 7. Last evaluated: 2024-06-10. Review status: criteria provided, single submitter. Criteria: ACMG Guidelines, 2015. Collection method: clinical testing. Allele origin: germline. Affected: yes.
Comment: The variant is observed at an extremely low frequency in the gnomAD v4.0.0 dataset (total allele frequency: 0.007%). Predicted Consequence/Location: Stop-gained (nonsense): predicted to result in a loss or disruption of normal protein function through nonsense-mediated decay (NMD) or protein truncation. Multiple pathogenic variants are reported downstream of the variant. The variant has been reported at least twice as pathogenic with clinical assertions and evidence for the classification (ClinVar ID: VCV000095432 /PMID: 23806237). Therefore, this variant is classified as Pathogenic according to the recommendation of ACMG/AMP guideline.

Women's Health and Genetics/Laboratory Corporation of America, LabCorp
Classification: Pathogenic for Intellectual developmental disorder, autosomal recessive 7. Last evaluated: 2023-11-24. Review status: criteria provided, single submitter. Criteria: LabCorp Variant Classification Summary - May 2015. Collection method: clinical testing. Allele origin: germline.
Comment: Variant summary: TUSC3 c.992C>A (p.Ser331X) results in a premature termination codon, predicted to cause a truncation of the encoded protein, although it is not expected to result in nonsense mediated decay. A variant downstream of this position (p.Ser343Thr) has been classified as pathogenic by ClinVar submitters with clinical evidence. The variant allele was found at a frequency of 8.4e-05 in 251246 control chromosomes (gnomAD). c.992C>A has been reported in the literature in individuals affected with Intellectual Disability (Jones_2013, Sabo_2020), and one was reported as compound heterozygous with a whole gene deletion. These data indicate that the variant is likely associated with disease. The following publications have been ascertained in the context of this evaluation (PMID: 23806237, 32767738). Seven submitters have cited clinical-significance assessments for this variant to ClinVar after 2014, and classified it as pathogenic (n=5), likely pathogenic (n=1), or uncertain significance (n=1). Based on the evidence outlined above, the variant was classified as pathogenic.

Institute of Human Genetics, University of Leipzig Medical Center
Classification: Pathogenic for Intellectual developmental disorder, autosomal recessive 24. Last evaluated: 2023-11-01. Review status: criteria provided, single submitter. Criteria: ACMG Guidelines, 2015. Collection method: clinical testing. Allele origin: inherited. Inheritance: Autosomal recessive inheritance. Affected: yes.
Comment: Criteria applied: PVS1,PM3_STR,PM2_SUP

Victorian Clinical Genetics Services, Murdoch Childrens Research Institute
Classification: Pathogenic for Intellectual developmental disorder, autosomal recessive 7. Last evaluated: 2023-07-17. Review status: criteria provided, single submitter. Criteria: ACMG Guidelines, 2015. Collection method: clinical testing. Allele origin: germline. Inheritance: Autosomal recessive inheritance. Affected: yes.
Comment: Based on the classification scheme VCGS_Germline_v1.3.4, this variant is classified as Pathogenic. Following criteria are met: 0102 - Loss of function is a known mechanism of disease in this gene and is associated with intellectual developmental disorder, autosomal recessive 7 (MIM#611093). (I) 0106 - This gene is associated with autosomal recessive disease. (I) 0205 - Variant is predicted to result in a truncated protein (premature termination codon is NOT located at least 54 nucleotides upstream of the final exon-exon junction) with less than 1/3 of the protein sequence affected. (SP) 0251 - This variant is heterozygous. (I) 0304 - Variant is present in gnomAD (v2) <0.01 for a recessive condition (25 heterozygotes, 0 homozygotes). (SP) 0600 - Variant affects part of the annotated OST3/OST6 family, transporter family domain (DECIPHER). (I) 0710 - Another protein truncating variant comparable to the one identified in this case has inconclusive previous evidence for pathogenicity. A single downstream truncating variant has been reported as a VUS (ClinVar). Additionally, a downstream missense variant, p.(Ser343Thr), has been described twice as pathogenic, and observed in at least two affected individuals (ClinVar, PMID: 26077850, PMID: 34646667). (I) 0801 - This variant has strong previous evidence of pathogenicity in unrelated individuals. This variant has been reported multiple times as pathogenic, and described in both homozygous and compound heterozygous individuals with intellectual disability, developmental delay and/or autism (ClinVar, PMID: 32767738). (I) Legend: (SP) - Supporting pathogenic, (I) - Information, (SB) - Supporting benign

Ambry Genetics
Classification: Pathogenic for Inborn genetic diseases. Last evaluated: 2023-06-21. Review status: criteria provided, single submitter. Criteria: Ambry Variant Classification Scheme 2023. Collection method: clinical testing. Allele origin: germline.
Comment: The c.992C>A (p.S331*) alteration, located in exon 9 (coding exon 9) of the TUSC3 gene, consists of a C to A substitution at nucleotide position 992. This changes the amino acid from a serine (S) to a stop codon at amino acid position 331. This alteration is expected to result in loss of function by premature protein truncation or nonsense-mediated mRNA decay. Based on data from gnomAD, the A allele has an overall frequency of 0.009% (25/282626) total alleles studied. The highest observed frequency was 0.032% (8/25094) of European (Finnish) alleles. This variant was identified in the homozygous state in an individual with intellectual disability (ID), attention deficit hyperactivity disorder, microcephaly, hypotonia, and skeletal abnormalities (Sabo, 2020). It was also identified in the compound heterozygous state with a whole gene deletion in an individual with ID and autism (Jones, 2013). Based on the available evidence, this alteration is classified as pathogenic.

CeGaT Center for Human Genetics Tuebingen
Classification: Likely pathogenic. Last evaluated: 2020-08-01. Review status: criteria provided, single submitter. Criteria: CeGaT Center For Human Genetics Tuebingen Variant Classification Criteria Version 2. Collection method: clinical testing. Allele origin: germline. Affected: yes. Observed: 1 variant allele.

NM_006765.4(TUSC3):c.992C>A (p.Ser331Ter)

Gene: TUSC3 (tumor suppressor candidate 3; plus strand). Cytogenetic location: 8p22.
Variant type: single nucleotide variant.
Coding change: c.992C>A on transcript NM_006765.4 (MANE Select); coding-DNA position 992, C replaced by A.
Protein change: p.Ser331Ter; replaces serine 331 with a stop codon.
Molecular consequence: nonsense.
Genome position (GRCh38, 1-based): chr8:15,748,429, C>A. VCF-style: chr8-15748429-C-A. GRCh37 (hg19) VCF-style: chr8-15605938-C-A.
Other names: c.992C>A, p.Ser331Ter (NM_001356429.2, NM_178234.2); c.992C>A (NM_006765.2); short protein forms S331*.
Identifiers: ClinVar variation 95432 (VCV000095432.68), dbSNP rs200667343, ClinGen allele CA222970.
Genomic context (GRCh38, chr8:15,748,429, plus strand): 5'-TTCTAGTAATTTGCCTAGTGGGATTGGGCCTGGTGGTCTTCTTCTTCAGTTTTCTACTTT[C>A]AATATTTCGTTCCAAGTACCACGGCTATCCTTATAGGTAATATCTTTATACTAACATGAA-3'